The following is an entry in ClinVar:

NM_000384.3(APOB):c.4311C>G (p.Phe1437Leu)

Gene: APOB (apolipoprotein B; minus strand). Cytogenetic location: 2p24.1.
Variant type: single nucleotide variant.
Coding change: c.4311C>G on transcript NM_000384.3 (MANE Select); coding-DNA position 4311, C replaced by G.
Protein change: p.Phe1437Leu; replaces phenylalanine 1437 with leucine.
Molecular consequence: missense variant.
Genome position (GRCh38, 1-based): chr2:21,012,557, G>C on the plus strand (C>G on the coding strand, the complement: APOB is on the minus strand). VCF-style: chr2-21012557-G-C. GRCh37 (hg19) VCF-style: chr2-21235429-G-C.
Other names: short protein forms F1437L.
Identifiers: ClinVar variation 684872 (VCV000684872.25), dbSNP rs1801697, ClinGen allele CA060853.
Genomic context (GRCh38, chr2:21,012,557, plus strand): 5'-TGCATCGAATATTAGTAAACCTTTTGAGACTGGGTTGTTTCCAAGTTTTTCTACATGACT[G>C]AATTTGATATTCGAATCTAGAAATTTGTGGCGTAGAGACCCATCACATGATAGTGTGAAC-3'
Protein context (NP_000375.3, residues 1427-1447): RHKFLDSNIK[Phe1437Leu]SHVEKLGNNP

ClinVar aggregate classification (germline): Conflicting classifications of pathogenicity. Review status: criteria provided, conflicting classifications (1 of 4 stars). 6 submissions from 6 submitters: Uncertain significance (5); Likely benign (1). Last evaluated 2025-12-01.

Conditions:
Cardiovascular phenotype. Identifiers: MedGen CN230736.
Hypercholesterolemia, autosomal dominant, type B (FHCL2). Also called: Familial Hypercholesterolemia Type B; APOB-Related Familial Hypercholesterolemia, Autosomal Dominant; Hyperlipoproteinemia Type IIb; APOLIPOPROTEIN B-100, FAMILIAL DEFECTIVE; APOLIPOPROTEIN B-100, FAMILIAL LIGAND-DEFECTIVE; Familial hypercholesterolemia 2. Identifiers: MedGen C1704417, MONDO:0007751, OMIM 144010.
Familial hypobetalipoproteinemia 1. Also called: APOB-Related Familial Hypobetalipoproteinemia; Hypobetalipoproteinemia, normotriglyceridemic; Acanthocytosis with hypobetalipoproteinemia. Identifiers: MedGen C4551990, MONDO:0014252, OMIM 615558.
Familial hypercholesterolemia. Also called: Familial hypercholesterolemias; Familial hypercholesterolaemia. Identifiers: MedGen C0020445, MONDO:0005439.

Allele frequency attached by ClinVar (database versions not stated): ExAC 0.00003; gnomAD 0.00003 and 0.00004; gnomAD exomes 0.00004 and 0.00009; TOPMed 0.00005; ESP Exome Variant Server 0.00015.
gnomAD v4.1: 137 of 1,613,986 alleles (0.0085%); highest among the groups gnomAD compares: Non-Finnish European, 0.011%; no homozygotes.

Submissions (6):

Labcorp Genetics (formerly Invitae), Labcorp
Classification: Likely benign for Familial hypobetalipoproteinemia 1; Hypercholesterolemia, autosomal dominant, type B. Last evaluated: 2025-12-01. Review status: criteria provided, single submitter. Criteria: Invitae Variant Classification Sherloc (09022015). Collection method: clinical testing. Allele origin: germline.

Ambry Genetics
Classification: Uncertain significance for Cardiovascular phenotype. Last evaluated: 2024-05-26. Review status: criteria provided, single submitter. Criteria: Ambry Variant Classification Scheme 2023. Collection method: clinical testing. Allele origin: germline.
Comment: The p.F1437L variant (also known as c.4311C>G), located in coding exon 26 of the APOB gene, results from a C to G substitution at nucleotide position 4311. The phenylalanine at codon 1437 is replaced by leucine, an amino acid with highly similar properties. This amino acid position is not well conserved in available vertebrate species, and leucine is the reference amino acid in other vertebrate species. In addition, this alteration is predicted to be tolerated by in silico analysis. Since supporting evidence is limited at this time, the clinical significance of this alteration remains unclear.

Department of Pathology and Laboratory Medicine, Sinai Health System
Classification: Uncertain significance for hypercholesterolemia, autosomal dominant, type B. Last evaluated: 2022-01-14. Review status: criteria provided, single submitter. Criteria: ACMG Guidelines, 2015. Collection method: research. Allele origin: germline.

Cambridge Genomics Laboratory, East Genomic Laboratory Hub, NHS Genomic Medicine Service
Classification: Uncertain significance for Familial hypercholesterolemia. Last evaluated: 2020-01-21. Review status: criteria provided, single submitter. Criteria: ACGS Best Practice Guidelines for Variant Classification in Rare Disease 2020. Collection method: clinical testing. Allele origin: germline. Affected: yes. Observed: 1 variant allele.

Illumina Laboratory Services, Illumina
Classification: Uncertain significance for Hypercholesterolemia, autosomal dominant, type B. Last evaluated: 2017-04-27. Review status: criteria provided, single submitter. Criteria: ICSL Variant Classification Criteria 13 December 2019. Collection method: clinical testing. Allele origin: germline.

Molecular Diagnostic Laboratory for Inherited Cardiovascular Disease, Montreal Heart Institute
Classification: Uncertain significance. Review status: criteria provided, single submitter. Criteria: ACMG Guidelines, 2015. Collection method: clinical testing. Allele origin: germline. Affected: yes.